The following is an entry in ClinVar:

NM_014908.4(DOLK):c.455T>G (p.Ile152Ser)

Gene: DOLK (dolichol kinase; minus strand). Cytogenetic location: 9q34.11.
Variant type: single nucleotide variant.
Coding change: c.455T>G on transcript NM_014908.4 (MANE Select); coding-DNA position 455, T replaced by G.
Protein change: p.Ile152Ser; replaces isoleucine 152 with serine.
Molecular consequence: missense variant.
Genome position (GRCh38, 1-based): chr9:128,946,849, A>C on the plus strand (T>G on the coding strand, the complement: DOLK is on the minus strand). VCF-style: chr9-128946849-A-C. GRCh37 (hg19) VCF-style: chr9-131709128-A-C.
Other names: short protein forms I152S.
Identifiers: ClinVar variation 4014373 (VCV004014373.1).

ClinVar aggregate classification (germline): Uncertain significance (1 of 4 stars; one submission).

Conditions:
Cardiovascular phenotype. Identifiers: MedGen CN230736.

Submission:

Ambry Genetics
Classification: Uncertain significance for Cardiovascular phenotype. Last evaluated: 2025-04-15. Review status: criteria provided, single submitter. Criteria: Ambry Variant Classification Scheme 2023. Collection method: clinical testing. Allele origin: germline.
Comment: The p.I152S variant (also known as c.455T>G), located in coding exon 1 of the DOLK gene, results from a T to G substitution at nucleotide position 455. The isoleucine at codon 152 is replaced by serine, an amino acid with dissimilar properties. This amino acid position is not well conserved in available vertebrate species. In addition, the in silico prediction for this alteration is inconclusive. Based on the available evidence, the clinical significance of this variant remains unclear.